The following is an entry in ClinVar:

NM_001909.5(CTSD):c.646G>A (p.Asp216Asn)

Gene: CTSD (cathepsin D; minus strand). Cytogenetic location: 11p15.5.
Variant type: single nucleotide variant.
Coding change: c.646G>A on transcript NM_001909.5 (MANE Select); coding-DNA position 646, G replaced by A.
Protein change: p.Asp216Asn; replaces aspartic acid 216 with asparagine.
Molecular consequence: missense variant.
Genome position (GRCh38, 1-based): chr11:1,757,382, C>T on the plus strand (G>A on the coding strand, the complement: CTSD is on the minus strand). VCF-style: chr11-1757382-C-T. GRCh37 (hg19) VCF-style: chr11-1778612-C-T.
Other names: short protein forms D216N.
Identifiers: ClinVar variation 967445 (VCV000967445.7), dbSNP rs1235872591, ClinGen allele CA379095948.
Genomic context (GRCh38, chr11:1,757,382, plus strand): 5'-ACCTGCTCAGGTAGAAGGAGAAGATGTTCTGGTCCACCAGCTTCTGCTGCATCAGGTTGT[C>T]GAAGACGGGCAGCACGTTGTTGACGGAGATGCGGGGGTAGGCCATGCCCAGGATGCCATC-3'
Protein context (NP_001900.1, residues 206-226): ISVNNVLPVF[Asp216Asn]NLMQQKLVDQ

ClinVar aggregate classification (germline): Uncertain significance (1 of 4 stars; one submission).

Conditions:
Neuronal ceroid lipofuscinosis. Also called: Neuronal Ceroid Lipofuscinoses. Identifiers: Orphanet 216, Orphanet 79263, MedGen C0027877, MONDO:0016295. Disease mechanism: loss of function.

Allele frequency attached by ClinVar (database versions not stated): gnomAD exomes below 0.00001; TOPMed below 0.00001.
gnomAD v4.1: 4 of 1,614,158 alleles (0.00025%); highest among the groups gnomAD compares: Admixed American, 0.0017%; no homozygotes.

Submission:

Labcorp Genetics (formerly Invitae), Labcorp
Classification: Uncertain significance for Neuronal ceroid lipofuscinosis. Last evaluated: 2022-03-19. Review status: criteria provided, single submitter. Criteria: Invitae Variant Classification Sherloc (09022015). Collection method: clinical testing. Allele origin: germline.
Comment: This sequence change replaces aspartic acid, which is acidic and polar, with asparagine, which is neutral and polar, at codon 216 of the CTSD protein (p.Asp216Asn). This variant is present in population databases (no rsID available, gnomAD 0.003%). This variant has not been reported in the literature in individuals affected with CTSD-related conditions. ClinVar contains an entry for this variant (Variation ID: 967445). Algorithms developed to predict the effect of missense changes on protein structure and function are either unavailable or do not agree on the potential impact of this missense change (SIFT: "Tolerated"; PolyPhen-2: "Probably Damaging"; Align-GVGD: "Class C0"). In summary, the available evidence is currently insufficient to determine the role of this variant in disease. Therefore, it has been classified as a Variant of Uncertain Significance.